The following is an entry in ClinVar:

ClinVar aggregate classification (germline): Uncertain significance. Review status: criteria provided, multiple submitters, no conflicts (2 of 4 stars). 3 submissions from 3 submitters: Uncertain significance (2). 1 of the submissions does not count toward it. Last evaluated 2023-03-30.

Conditions:
Retinal dystrophy. Also called: Inherited retinal dystrophy. Identifiers: Orphanet 71862, MedGen C0854723, MeSH D058499, MONDO:0019118, HP:0000556.

Allele frequency attached by ClinVar (database versions not stated): gnomAD exomes below 0.00001.
gnomAD v4.1: 7 of 1,614,180 alleles (0.00043%); highest among the groups gnomAD compares: Non-Finnish European, 0.00059%; no homozygotes.

Submissions (3):

Blueprint Genetics
Classification: Uncertain significance. Last evaluated: 2023-03-30. Review status: criteria provided, single submitter. Criteria: ACMG Guidelines, 2015. Collection method: clinical testing. Allele origin: germline.

GeneDx
Classification: Uncertain significance. Last evaluated: 2020-11-02. Review status: criteria provided, single submitter. Criteria: GeneDx Variant Classification Process June 2021. Collection method: clinical testing. Allele origin: germline. Affected: yes.
Comment: Not observed in large population cohorts (Lek et al., 2016); In silico analysis supports that this missense variant has a deleterious effect on protein structure/function; Has not been previously published as pathogenic or benign to our knowledge

Institute of Human Genetics, Univ. Regensburg, Univ. Regensburg
Classification: Uncertain significance for Retinal dystrophy. Last evaluated: 2017-01-01. Review status: no assertion criteria provided. Criteria: ACMG Guidelines, 2015. Collection method: clinical testing. Allele origin: germline. Affected: yes. Not counted in ClinVar's aggregate classification.

NM_000188.3(HK1):c.916G>T (p.Val306Phe)

Gene: HK1 (hexokinase 1; plus strand). Cytogenetic location: 10q22.1.
Variant type: single nucleotide variant.
Coding change: c.916G>T on transcript NM_000188.3 (MANE Select); coding-DNA position 916, G replaced by T.
Protein change: p.Val306Phe; replaces valine 306 with phenylalanine.
Molecular consequence: missense variant.
Genome position (GRCh38, 1-based): chr10:69,376,974, G>T. VCF-style: chr10-69376974-G-T. GRCh37 (hg19) VCF-style: chr10-71136730-G-T.
Other names: c.928G>T, p.Val310Phe (NM_001322364.2, NM_001358263.1, NM_033497.3 and 1 more transcripts); c.1021G>T, p.Val341Phe (NM_001322365.2); c.832G>T, p.Val278Phe (NM_001322366.1); c.820G>T, p.Val274Phe (NM_001322367.1); c.913G>T, p.Val305Phe (NM_033496.3); c.880G>T, p.Val294Phe (NM_033500.2); short protein forms V274F, V278F, V294F, V305F, V306F, V310F, V341F.
Identifiers: ClinVar variation 1304729 (VCV001304729.4), dbSNP rs2132855028, ClinGen allele CA376916007.